The following is an entry in ClinVar:

ClinVar aggregate classification (germline): Uncertain significance (1 of 4 stars; one submission).

Conditions:
Bardet-Biedl syndrome (BBS). Identifiers: Orphanet 110, MedGen C0752166, MONDO:0015229.

Allele frequency attached by ClinVar (database versions not stated): gnomAD exomes below 0.00001; gnomAD 0.00001.
gnomAD v4.1: 3 of 1,614,062 alleles (0.00019%); highest among the groups gnomAD compares: African/African-American, 0.0013%; no homozygotes.

Submission:

Labcorp Genetics (formerly Invitae), Labcorp
Classification: Uncertain significance for Bardet-Biedl syndrome. Last evaluated: 2022-07-11. Review status: criteria provided, single submitter. Criteria: Invitae Variant Classification Sherloc (09022015). Collection method: clinical testing. Allele origin: germline.
Comment: In summary, the available evidence is currently insufficient to determine the role of this variant in disease. Therefore, it has been classified as a Variant of Uncertain Significance. ClinVar contains an entry for this variant (Variation ID: 1439806). Algorithms developed to predict the effect of sequence changes on RNA splicing suggest that this variant may create or strengthen a splice site. Algorithms developed to predict the effect of missense changes on protein structure and function (SIFT, PolyPhen-2, Align-GVGD) all suggest that this variant is likely to be disruptive. This variant has not been reported in the literature in individuals affected with BBS2-related conditions. This variant is not present in population databases (gnomAD no frequency). This sequence change replaces asparagine, which is neutral and polar, with serine, which is neutral and polar, at codon 664 of the BBS2 protein (p.Asn664Ser).

NM_031885.5(BBS2):c.1991A>G (p.Asn664Ser)

Gene: BBS2 (Bardet-Biedl syndrome 2; minus strand). Cytogenetic location: 16q13.
Variant type: single nucleotide variant.
Coding change: c.1991A>G on transcript NM_031885.5 (MANE Select); coding-DNA position 1991, A replaced by G.
Protein change: p.Asn664Ser; replaces asparagine 664 with serine.
Molecular consequence: missense variant. On other transcripts: non-coding transcript variant (5).
Genome position (GRCh38, 1-based): chr16:56,485,658, T>C on the plus strand (A>G on the coding strand, the complement: BBS2 is on the minus strand). VCF-style: chr16-56485658-T-C. GRCh37 (hg19) VCF-style: chr16-56519570-T-C.
Other names: c.1991A>G, p.Asn664Ser (NM_001377456.1); short protein forms N664S.
Identifiers: ClinVar variation 1439806 (VCV001439806.7), dbSNP rs1963755946, ClinGen allele CA395973283.